The following is an entry in ClinVar:

NM_000492.4(CFTR):c.2200A>G (p.Arg734Gly)

Gene: CFTR (CF transmembrane conductance regulator; plus strand). Cytogenetic location: 7q31.2.
Variant type: single nucleotide variant.
Coding change: c.2200A>G on transcript NM_000492.4 (MANE Select); coding-DNA position 2200, A replaced by G.
Protein change: p.Arg734Gly; replaces arginine 734 with glycine.
Molecular consequence: missense variant.
Genome position (GRCh38, 1-based): chr7:117,592,367, A>G. VCF-style: chr7-117592367-A-G. GRCh37 (hg19) VCF-style: chr7-117232421-A-G.
Other names: short protein forms R734G.
Identifiers: ClinVar variation 1787624 (VCV001787624.2), dbSNP rs2485110217, ClinGen allele CA368980366.

ClinVar aggregate classification (germline): Uncertain significance (1 of 4 stars; one submission).

Conditions:
Cystic fibrosis (CF). Also called: MUCOVISCIDOSIS. Identifiers: Orphanet 586, MedGen C0010674, MONDO:0009061, OMIM 219700. Disease mechanism: loss of function.

Allele frequency attached by ClinVar (database versions not stated): gnomAD exomes below 0.00001.
gnomAD v4.1: 1 of 1,614,080 alleles (0.000062%); highest among the groups gnomAD compares: Non-Finnish European, 0.000085%; no homozygotes.

Submission:

Ambry Genetics
Classification: Uncertain significance for Cystic fibrosis. Last evaluated: 2021-10-13. Review status: criteria provided, single submitter. Criteria: Ambry Variant Classification Scheme 2023. Collection method: clinical testing. Allele origin: germline.
Comment: The p.R734G variant (also known as c.2200A>G), located in coding exon 14 of the CFTR gene, results from an A to G substitution at nucleotide position 2200. The arginine at codon 734 is replaced by glycine, an amino acid with dissimilar properties. This amino acid position is conserved. In addition, this alteration is predicted to be deleterious by in silico analysis. Since supporting evidence is limited at this time, the clinical significance of this alteration remains unclear.